The following is an entry in ClinVar:

ClinVar aggregate classification (germline): Conflicting classifications of pathogenicity. Review status: criteria provided, conflicting classifications (1 of 4 stars). 6 submissions from 6 submitters: Uncertain significance (2); Benign (1); Likely benign (3). Last evaluated 2025-04-11.

Conditions:
Cardiovascular phenotype. Identifiers: MedGen CN230736.
Cardiomyopathy (CMYO). Also called: Cardiomyopathies. Identifiers: Orphanet 167848, MedGen C0878544, MONDO:0004994, HP:0001638. Inheritance: Various modes of inheritance.
Catecholaminergic polymorphic ventricular tachycardia 1. Also called: VENTRICULAR TACHYCARDIA, CATECHOLAMINERGIC POLYMORPHIC, 1, WITH OR WITHOUT ATRIAL DYSFUNCTION AND/OR DILATED CARDIOMYOPATHY; RYR2-Related Catecholaminergic Polymorphic Ventricular Tachycardia; VENTRICULAR TACHYCARDIA, STRESS-INDUCED POLYMORPHIC 1. Identifiers: Orphanet 3286, MedGen C1631597, MONDO:0011484, OMIM 604772.

Allele frequency attached by ClinVar (database versions not stated): gnomAD exomes below 0.00001 and 0.00001; TOPMed below 0.00001; gnomAD 0.00003; ESP Exome Variant Server 0.00009.
gnomAD v4.1: 27 of 1,571,634 alleles (0.0017%); highest among the groups gnomAD compares: Non-Finnish European, 0.0021%; no homozygotes.

Submissions (6):

Labcorp Genetics (formerly Invitae), Labcorp
Classification: Likely benign for Catecholaminergic polymorphic ventricular tachycardia 1. Last evaluated: 2025-04-11. Review status: criteria provided, single submitter. Criteria: Invitae Variant Classification Sherloc (09022015). Collection method: clinical testing. Allele origin: germline.

Blueprint Genetics
Classification: Likely benign. Last evaluated: 2023-04-28. Review status: criteria provided, single submitter. Criteria: ACMG Guidelines, 2015. Collection method: clinical testing. Allele origin: germline.

Color Diagnostics, LLC DBA Color Health
Classification: Likely benign for Cardiomyopathy. Last evaluated: 2022-11-21. Review status: criteria provided, single submitter. Criteria: ACMG Guidelines, 2015. Collection method: clinical testing. Allele origin: germline.

Ambry Genetics
Classification: Uncertain significance for Cardiovascular phenotype. Last evaluated: 2021-01-11. Review status: criteria provided, single submitter. Criteria: Ambry Variant Classification Scheme 2023. Collection method: clinical testing. Allele origin: germline.
Comment: The c.8209-4T>C intronic variant results from a T to C substitution 4 nucleotides upstream from coding exon 55 in the RYR2 gene. This nucleotide position is not well conserved in available vertebrate species. In silico splice site analysis predicts that this alteration will not have any significant effect on splicing. Since supporting evidence is limited at this time, the clinical significance of this alteration remains unclear.

CHEO Genetics Diagnostic Laboratory, Children's Hospital of Eastern Ontario
Classification: Uncertain significance for Cardiomyopathy. Last evaluated: 2015-11-09. Review status: criteria provided, single submitter. Criteria: ACMG Guidelines, 2015. Collection method: clinical testing. Allele origin: germline. Study: Canadian Open Genetics Repository.

GeneDx
Classification: Benign. Last evaluated: 2015-03-03. Review status: criteria provided, single submitter. Criteria: GeneDx Variant Classification Process June 2021. Collection method: clinical testing. Allele origin: germline. Affected: yes.

NM_001035.3(RYR2):c.8209-4T>C

Gene: RYR2 (ryanodine receptor 2; plus strand). Cytogenetic location: 1q43.
Variant type: single nucleotide variant.
Coding change: c.8209-4T>C on transcript NM_001035.3 (MANE Select); 4 bases into the intron before coding-DNA position 8209, T replaced by C.
Molecular consequence: intron variant.
Genome position (GRCh38, 1-based): chr1:237,659,981, T>C. VCF-style: chr1-237659981-T-C. GRCh37 (hg19) VCF-style: chr1-237823281-T-C.
Other names: c.8209-4T>C (LRG_402t1).
Identifiers: ClinVar variation 180498 (VCV000180498.22), dbSNP rs371966353, ClinGen allele CA010897.